The following is an entry in ClinVar:

NM_001430.5(EPAS1):c.104A>T (p.Tyr35Phe)

Gene: EPAS1 (endothelial PAS domain protein 1; plus strand). Cytogenetic location: 2p21.
Variant type: single nucleotide variant.
Coding change: c.104A>T on transcript NM_001430.5 (MANE Select); coding-DNA position 104, A replaced by T.
Protein change: p.Tyr35Phe; replaces tyrosine 35 with phenylalanine.
Molecular consequence: missense variant.
Genome position (GRCh38, 1-based): chr2:46,346,950, A>T. VCF-style: chr2-46346950-A-T. GRCh37 (hg19) VCF-style: chr2-46574089-A-T.
Other names: short protein forms Y35F.
Identifiers: ClinVar variation 1776510 (VCV001776510.2), dbSNP rs1477954904, ClinGen allele CA346697037.

ClinVar aggregate classification (germline): Uncertain significance (1 of 4 stars; one submission).

Conditions:
Inborn genetic diseases. Identifiers: MedGen C0950123, MeSH D030342.

Allele frequency attached by ClinVar (database versions not stated): gnomAD 0.00001.
gnomAD v4.1: 2 of 1,614,070 alleles (0.00012%); highest among the groups gnomAD compares: African/African-American, 0.0027%; no homozygotes.

Submission:

Ambry Genetics
Classification: Uncertain significance for Inborn genetic diseases. Last evaluated: 2023-09-28. Review status: criteria provided, single submitter. Criteria: Ambry Variant Classification Scheme 2023. Collection method: clinical testing. Allele origin: germline.
Comment: The p.Y35F variant (also known as c.104A>T), located in coding exon 2 of the EPAS1 gene, results from an A to T substitution at nucleotide position 104. The tyrosine at codon 35 is replaced by phenylalanine, an amino acid with highly similar properties. This amino acid position is conserved. In addition, this alteration is predicted to be tolerated by in silico analysis. Since supporting evidence is limited at this time, the clinical significance of this alteration remains unclear.